The following is an entry in ClinVar:

ClinVar aggregate classification (germline): Uncertain significance (1 of 4 stars; one submission).

Conditions:
Infantile-onset X-linked spinal muscular atrophy. Also called: AMC, DISTAL, X-LINKED; ARTHROGRYPOSIS, X-LINKED, TYPE I; SPINAL MUSCULAR ATROPHY, X-LINKED LETHAL INFANTILE; Spinal Muscular Atrophy, X-Linked Infantile; Spinal muscular atrophy, X-linked 2. Identifiers: Orphanet 1145, MedGen C1844934, MONDO:0010532, OMIM 301830.

Submission:

Labcorp Genetics (formerly Invitae), Labcorp
Classification: Uncertain significance for Infantile-onset X-linked spinal muscular atrophy. Last evaluated: 2024-11-19. Review status: criteria provided, single submitter. Criteria: Invitae Variant Classification Sherloc (09022015). Collection method: clinical testing. Allele origin: germline.
Comment: This sequence change falls in intron 12 of the UBA1 gene. It does not directly change the encoded amino acid sequence of the UBA1 protein. It affects a nucleotide within the consensus splice site. This variant is not present in population databases (gnomAD no frequency). This variant has not been reported in the literature in individuals affected with UBA1-related conditions. Variants that disrupt the consensus splice site are a relatively common cause of aberrant splicing (PMID: 17576681, 9536098). Algorithms developed to predict the effect of sequence changes on RNA splicing suggest that this variant is not likely to affect RNA splicing. In summary, the available evidence is currently insufficient to determine the role of this variant in disease. Therefore, it has been classified as a Variant of Uncertain Significance.

Literature cited by the submitters: PubMed 17576681; PubMed 9536098.

NM_003334.4(UBA1):c.1338+4T>C

Gene: UBA1 (ubiquitin like modifier activating enzyme 1; plus strand). Cytogenetic location: Xp11.3.
Variant type: single nucleotide variant.
Coding change: c.1338+4T>C on transcript NM_003334.4 (MANE Select); 4 bases into the intron after coding-DNA position 1338, T replaced by C.
Molecular consequence: intron variant.
Genome position (GRCh38, 1-based): chrX:47,203,051, T>C. VCF-style: chrX-47203051-T-C. GRCh37 (hg19) VCF-style: chrX-47062450-T-C.
Other names: c.1338+4T>C (NM_153280.3).
Identifiers: ClinVar variation 3690700 (VCV003690700.2).